The following is an entry in ClinVar:

ClinVar aggregate classification (germline): Pathogenic/Likely pathogenic. Review status: criteria provided, multiple submitters, no conflicts (2 of 4 stars). 5 submissions from 5 submitters: Pathogenic (4); Likely pathogenic (1). Last evaluated 2025-11-25.

Conditions:
Familial cancer of breast. Also called: BREAST CANCER, FAMILIAL; hereditary breast carcinoma; Hereditary breast cancer. Identifiers: Orphanet 227535, MedGen C0346153, MONDO:0016419, OMIM 114480. Disease mechanism: loss of function.
Hereditary cancer-predisposing syndrome. Also called: Neoplastic Syndromes, Hereditary; Tumor predisposition; Hereditary Cancer Syndrome; Hereditary neoplastic syndrome. Identifiers: Orphanet 140162, MedGen C0027672, MeSH D009386, MONDO:0015356.

Submissions (5):

Labcorp Genetics (formerly Invitae), Labcorp
Classification: Pathogenic for Familial cancer of breast. Last evaluated: 2025-11-25. Review status: criteria provided, single submitter. Criteria: Invitae Variant Classification Sherloc (09022015). Collection method: clinical testing. Allele origin: germline.
Comment: This sequence change creates a premature translational stop signal (p.Asp172Argfs*10) in the BARD1 gene. It is expected to result in an absent or disrupted protein product. Loss-of-function variants in BARD1 are known to be pathogenic (PMID: 20077502, 21344236). This variant is present in population databases (rs746325928, gnomAD 0.02%). This variant has not been reported in the literature in individuals affected with BARD1-related conditions. ClinVar contains an entry for this variant (Variation ID: 460754). For these reasons, this variant has been classified as Pathogenic.

Baylor Genetics
Classification: Likely pathogenic for Familial cancer of breast. Last evaluated: 2023-11-21. Review status: criteria provided, single submitter. Criteria: ACMG Guidelines, 2015. Collection method: clinical testing. Allele origin: unknown.

Clinical Genetics Laboratory, Skane University Hospital Lund
Classification: Pathogenic. Last evaluated: 2023-07-05. Review status: criteria provided, single submitter. Criteria: ACMG Guidelines, 2015. Collection method: clinical testing. Allele origin: germline. Affected: yes.

Myriad Genetics, Inc.
Classification: Pathogenic for Familial cancer of breast. Last evaluated: 2023-05-19. Review status: criteria provided, single submitter. Criteria: Myriad Autosomal Dominant, Autosomal Recessive and X-Linked Classification Criteria (2023). Collection method: clinical testing. Allele origin: unknown.
Comment: This variant is considered pathogenic. This variant creates a frameshift predicted to result in premature protein truncation.

Ambry Genetics
Classification: Pathogenic for Hereditary cancer-predisposing syndrome. Last evaluated: 2023-01-04. Review status: criteria provided, single submitter. Criteria: Ambry Variant Classification Scheme 2023. Collection method: clinical testing. Allele origin: germline.
Comment: The c.513dupA pathogenic mutation, located in coding exon 4 of the BARD1 gene, results from a duplication of A at nucleotide position 513, causing a translational frameshift with a predicted alternate stop codon (p.D172Rfs*10). This alteration is expected to result in loss of function by premature protein truncation or nonsense-mediated mRNA decay. As such, this alteration is interpreted as a disease-causing mutation.

Literature cited by the submitters: PubMed 20077502 (cited by Labcorp Genetics (formerly Invitae), Labcorp); PubMed 21344236 (cited by Labcorp Genetics (formerly Invitae), Labcorp).

NM_000465.4(BARD1):c.513dup (p.Asp172fs)

Gene: BARD1 (BRCA1 associated RING domain 1; minus strand). Cytogenetic location: 2q35.
Variant type: Duplication.
Coding change: c.513dup on transcript NM_000465.4 (MANE Select); coding-DNA position 513, one base duplicated (A; older notation c.513dupA).
Protein change: p.Asp172fs; shifts the reading frame from aspartic acid 172.
Molecular consequence: frameshift variant. On other transcripts: non-coding transcript variant (2), intron variant (3).
Genome position (GRCh38, 1-based): chr2:214,781,361, T duplicated on the plus strand (A on the coding strand, the reverse complement: BARD1 is on the minus strand); the first of 7 consecutive T bases (chr2:214,781,361-214,781,367); duplicating any one gives the same sequence. VCF-style (leftmost placement, unchanged base first): chr2-214781360-C-CT. GRCh37 (hg19) VCF-style: chr2-215646084-C-CT.
Other names: c.513dupA (NM_000465.2, NM_000465.3); c.456dup, p.Asp153fs (NM_001282543.2); c.158+28045dup (NM_001282548.2); c.215+15694dup (NM_001282545.2); c.364+10930dup (NM_001282549.2); short protein forms D153fs, D172fs.
Identifiers: ClinVar variation 460754 (VCV000460754.15), dbSNP rs746325928, ClinGen allele CA2090415.